The following is an entry in ClinVar:

ClinVar aggregate classification (germline): Likely benign. Review status: criteria provided, multiple submitters, no conflicts (2 of 4 stars). 2 submissions from 2 submitters: Likely benign (2). Last evaluated 2026-09-01.

Conditions:
Charcot-Marie-Tooth disease axonal type 2P. Also called: CHARCOT-MARIE-TOOTH DISEASE, AXONAL, TYPE 2G; CMT 2G; CHARCOT-MARIE-TOOTH NEUROPATHY, TYPE 2P; Charcot-Marie-Tooth Neuropathy Type 2G. Identifiers: Orphanet 300319, Orphanet 99941, MedGen C3280797, MONDO:0013753, OMIM 614436.

Allele frequency attached by ClinVar (database versions not stated): ExAC 0.00001; gnomAD 0.00001; gnomAD exomes 0.00001; TOPMed 0.00001.
gnomAD v4.1: 12 of 1,612,352 alleles (0.00074%); highest among the groups gnomAD compares: East Asian, 0.0022%; no homozygotes.

Submissions (2):

CeGaT Center for Human Genetics Tuebingen
Classification: Likely benign. Last evaluated: 2026-09-01. Review status: criteria provided, single submitter. Criteria: CeGaT Center For Human Genetics Tuebingen Variant Classification Criteria Version 2. Collection method: clinical testing. Allele origin: germline. Affected: yes. Observed: 1 variant allele.
Comment: LRSAM1: BP4, BP7

Labcorp Genetics (formerly Invitae), Labcorp
Classification: Likely benign for Charcot-Marie-Tooth disease axonal type 2P. Last evaluated: 2025-07-08. Review status: criteria provided, single submitter. Criteria: Invitae Variant Classification Sherloc (09022015). Collection method: clinical testing. Allele origin: germline.

NM_001005373.4(LRSAM1):c.2076C>T (p.His692=)

Gene: LRSAM1 (leucine rich repeat and sterile alpha motif containing 1; plus strand). Cytogenetic location: 9q34.11.
Variant type: single nucleotide variant.
Coding change: c.2076C>T on transcript NM_001005373.4 (MANE Select); coding-DNA position 2076, C replaced by T.
Protein change: p.His692=; no amino-acid change (histidine 692 retained).
Molecular consequence: synonymous variant. On other transcripts: non-coding transcript variant (2).
Genome position (GRCh38, 1-based): chr9:127,502,803, C>T. VCF-style: chr9-127502803-C-T. GRCh37 (hg19) VCF-style: chr9-130265082-C-T.
Other names: c.2076C>T, p.His692= (NM_001005374.4, NM_001384142.1, NM_138361.5); c.1995C>T, p.His665= (NM_001190723.3); c.1977C>T, p.His659= (NM_001384143.1); c.1287C>T, p.His429= (NM_001384144.1).
Identifiers: ClinVar variation 1899905 (VCV001899905.6), dbSNP rs753650841, ClinGen allele CA5247258.